The following is an entry in ClinVar:

ClinVar aggregate classification (germline): Uncertain significance (1 of 4 stars; one submission).

Submission:

GeneDx
Classification: Uncertain significance. Last evaluated: 2025-06-24. Review status: criteria provided, single submitter. Criteria: GeneDx Variant Classification Process June 2021. Collection method: clinical testing. Allele origin: germline. Affected: yes.
Comment: Not observed at significant frequency in large population cohorts (gnomAD); In silico analysis supports that this missense variant has a deleterious effect on protein structure/function; Has not been previously published as pathogenic or benign to our knowledge

NM_024496.4(IRF2BPL):c.1414C>T (p.Arg472Cys)

Gene: IRF2BPL (interferon regulatory factor 2 binding protein like; minus strand). Cytogenetic location: 14q24.3.
Variant type: single nucleotide variant.
Coding change: c.1414C>T on transcript NM_024496.4 (MANE Select); coding-DNA position 1414, C replaced by T.
Protein change: p.Arg472Cys; replaces arginine 472 with cysteine.
Molecular consequence: missense variant.
Genome position (GRCh38, 1-based): chr14:77,026,379, G>A on the plus strand (C>T on the coding strand, the complement: IRF2BPL is on the minus strand). VCF-style: chr14-77026379-G-A. GRCh37 (hg19) VCF-style: chr14-77492722-G-A.
Other names: short protein forms R472C.
Identifiers: ClinVar variation 4540212 (VCV004540212.1).